The following is an entry in ClinVar:

NM_006946.4(SPTBN2):c.1973G>A (p.Arg658Gln)

Gene: SPTBN2 (spectrin beta, non-erythrocytic 2; minus strand). Cytogenetic location: 11q13.2.
Variant type: single nucleotide variant.
Coding change: c.1973G>A on transcript NM_006946.4 (MANE Select); coding-DNA position 1973, G replaced by A.
Protein change: p.Arg658Gln; replaces arginine 658 with glutamine.
Molecular consequence: missense variant.
Genome position (GRCh38, 1-based): chr11:66,705,303, C>T on the plus strand (G>A on the coding strand, the complement: SPTBN2 is on the minus strand). VCF-style: chr11-66705303-C-T. GRCh37 (hg19) VCF-style: chr11-66472774-C-T.
Other names: short protein forms R658Q.
Identifiers: ClinVar variation 915288 (VCV000915288.8), dbSNP rs753491527, ClinGen allele CA6129205.

ClinVar aggregate classification (germline): Conflicting classifications of pathogenicity. Review status: criteria provided, conflicting classifications (1 of 4 stars). 5 submissions from 5 submitters: Uncertain significance (4); Likely benign (1). Last evaluated 2026-01-27.

Conditions:
Spinocerebellar ataxia type 5 (SCA5). Identifiers: Orphanet 98766, MedGen C0752123, MONDO:0010848, OMIM 600224.
Inborn genetic diseases. Identifiers: MedGen C0950123, MeSH D030342.

Allele frequency attached by ClinVar (database versions not stated): gnomAD 0.00001; TOPMed 0.00003; gnomAD exomes 0.00006; ExAC 0.00008.
gnomAD v4.1: 27 of 1,605,464 alleles (0.0017%); highest among the groups gnomAD compares: Admixed American, 0.02%; no homozygotes.

Submissions (5):

Labcorp Genetics (formerly Invitae), Labcorp
Classification: Uncertain significance. Last evaluated: 2026-01-27. Review status: criteria provided, single submitter. Criteria: Invitae Variant Classification Sherloc (09022015). Collection method: clinical testing. Allele origin: germline.
Comment: This sequence change replaces arginine, which is basic and polar, with glutamine, which is neutral and polar, at codon 658 of the SPTBN2 protein (p.Arg658Gln). This variant is present in population databases (rs753491527, gnomAD 0.03%). This variant has not been reported in the literature in individuals affected with SPTBN2-related conditions. ClinVar contains an entry for this variant (Variation ID: 915288). Invitae Evidence Modeling of protein sequence and biophysical properties (such as structural, functional, and spatial information, amino acid conservation, physicochemical variation, residue mobility, and thermodynamic stability) indicates that this missense variant is not expected to disrupt SPTBN2 protein function with a negative predictive value of 80%. In summary, the available evidence is currently insufficient to determine the role of this variant in disease. Therefore, it has been classified as a Variant of Uncertain Significance.

Ambry Genetics
Classification: Uncertain significance for Inborn genetic diseases. Last evaluated: 2025-06-24. Review status: criteria provided, single submitter. Criteria: Ambry Variant Classification Scheme 2023. Collection method: clinical testing. Allele origin: germline.

Blueprint Genetics
Classification: Uncertain significance. Last evaluated: 2022-03-03. Review status: criteria provided, single submitter. Criteria: ACMG Guidelines, 2015. Collection method: clinical testing. Allele origin: germline.

Genomic Research Center, Shahid Beheshti University of Medical Sciences
Classification: Likely benign for Spinocerebellar ataxia type 5. Last evaluated: 2020-05-03. Review status: criteria provided, single submitter. Criteria: ACMG Guidelines, 2015. Collection method: clinical testing. Allele origin: unknown. Affected: yes.

Baylor Genetics
Classification: Uncertain significance for Spinocerebellar ataxia type 5. Last evaluated: 2018-05-30. Review status: criteria provided, single submitter. Criteria: ACMG Guidelines, 2015. Collection method: clinical testing. Allele origin: unknown. Affected: yes.
Comment: This variant was determined to be of uncertain significance according to ACMG Guidelines, 2015 [PMID:25741868].